The following is an entry in ClinVar:

ClinVar aggregate classification (germline): Uncertain significance (1 of 4 stars; one submission).

Conditions:
Nephronophthisis 18 (NPHP18). Identifiers: Orphanet 655, MedGen C3890591, MONDO:0014374, OMIM 615862.

Submission:

Labcorp Genetics (formerly Invitae), Labcorp
Classification: Uncertain significance for Nephronophthisis 18. Last evaluated: 2021-05-16. Review status: criteria provided, single submitter. Criteria: Invitae Variant Classification Sherloc (09022015). Collection method: clinical testing. Allele origin: germline.
Comment: In summary, the available evidence is currently insufficient to determine the role of this variant in disease. Therefore, it has been classified as a Variant of Uncertain Significance. Algorithms developed to predict the effect of missense changes on protein structure and function are either unavailable or do not agree on the potential impact of this missense change (SIFT: "Not Available"; PolyPhen-2: "Probably Damaging"; Align-GVGD: "Not Available"). This variant has not been reported in the literature in individuals with CEP83-related conditions. This variant is not present in population databases (ExAC no frequency). This sequence change replaces leucine with proline at codon 632 of the CEP83 protein (p.Leu632Pro). The leucine residue is highly conserved and there is a moderate physicochemical difference between leucine and proline.

NM_016122.3(CEP83):c.1895T>C (p.Leu632Pro)

Gene: CEP83 (centrosomal protein 83; minus strand). Cytogenetic location: 12q22.
Variant type: single nucleotide variant.
Coding change: c.1895T>C on transcript NM_016122.3 (MANE Select); coding-DNA position 1895, T replaced by C.
Protein change: p.Leu632Pro; replaces leucine 632 with proline.
Molecular consequence: missense variant. On other transcripts: non-coding transcript variant (2).
Genome position (GRCh38, 1-based): chr12:94,310,024, A>G on the plus strand (T>C on the coding strand, the complement: CEP83 is on the minus strand). VCF-style: chr12-94310024-A-G. GRCh37 (hg19) VCF-style: chr12-94703800-A-G.
Other names: c.1895T>C, p.Leu632Pro (NM_001042399.2, NM_001346457.2, NM_001368037.1 and 1 more transcripts); c.1583T>C, p.Leu528Pro (NM_001346458.2, NM_001346459.2, NM_001368039.1 and 1 more transcripts); c.1670T>C, p.Leu557Pro (NM_001368041.1); short protein forms L632P, L528P, L557P.
Identifiers: ClinVar variation 1486397 (VCV001486397.6), dbSNP rs1969602482, ClinGen allele CA386046400.